The following is an entry in ClinVar:

NM_144563.3(RPIA):c.497A>G (p.Asp166Gly)

Gene: RPIA (ribose 5-phosphate isomerase A; plus strand). Cytogenetic location: 2p11.2.
Variant type: single nucleotide variant.
Coding change: c.497A>G on transcript NM_144563.3 (MANE Select); coding-DNA position 497, A replaced by G.
Protein change: p.Asp166Gly; replaces aspartic acid 166 with glycine.
Molecular consequence: missense variant.
Genome position (GRCh38, 1-based): chr2:88,734,586, A>G. VCF-style: chr2-88734586-A-G. GRCh37 (hg19) VCF-style: chr2-89034103-A-G.
Other names: short protein forms D166G.
Identifiers: ClinVar variation 2094964 (VCV002094964.4), dbSNP rs2528488300, ClinGen allele CA347588168.
Genomic context (GRCh38, chr2:88,734,586, plus strand): 5'-GTATCTTTACCTTTCCCCCAATACAGATCGACCTTGCCATCGATGGTGCTGATGAAGTAG[A>G]TGCTGATCTCAATCTCATCAAGGGTGGCGGGTGAGTGTTGTGGGGGCTTCTGTGCTAAAG-3'
Protein context (NP_653164.2, residues 156-176): DLAIDGADEV[Asp166Gly]ADLNLIKGGG

ClinVar aggregate classification (germline): Uncertain significance (1 of 4 stars; one submission).

Allele frequency attached by ClinVar (database versions not stated): gnomAD exomes below 0.00001.
gnomAD v4.1: 3 of 1,614,188 alleles (0.00019%); highest among the groups gnomAD compares: South Asian, 0.0011%; no homozygotes.

Submission:

Labcorp Genetics (formerly Invitae), Labcorp
Classification: Uncertain significance. Last evaluated: 2022-08-09. Review status: criteria provided, single submitter. Criteria: Invitae Variant Classification Sherloc (09022015). Collection method: clinical testing. Allele origin: germline.
Comment: This sequence change replaces aspartic acid, which is acidic and polar, with glycine, which is neutral and non-polar, at codon 166 of the RPIA protein (p.Asp166Gly). In summary, the available evidence is currently insufficient to determine the role of this variant in disease. Therefore, it has been classified as a Variant of Uncertain Significance. Algorithms developed to predict the effect of missense changes on protein structure and function (SIFT, PolyPhen-2, Align-GVGD) all suggest that this variant is likely to be disruptive. This variant has not been reported in the literature in individuals affected with RPIA-related conditions. This variant is not present in population databases (gnomAD no frequency).